The following is an entry in ClinVar:

ClinVar aggregate classification (germline): Pathogenic. Review status: criteria provided, multiple submitters, no conflicts (2 of 4 stars). 2 submissions from 2 submitters: Pathogenic (2). Last evaluated 2025-07-02.

Conditions:
Juvenile polyposis syndrome (JPS). Identifiers: Orphanet 2929, MedGen C0345893, MONDO:0017380, OMIM 174900.
Juvenile polyposis/hereditary hemorrhagic telangiectasia syndrome (JPHT). Also called: POLYPOSIS, GENERALIZED JUVENILE, WITH PULMONARY ARTERIOVENOUS MALFORMATION; TELANGIECTASIA, HEREDITARY HEMORRHAGIC, WITH JUVENILE POLYPOSIS COLI; Juvenile Polyposis Syndrome / Hereditary Hemorrhagic Telangiectasia (JPS/HHT); JP/HHT SYNDROME; JUVENILE POLYPOSIS WITH HEREDITARY HEMORRHAGIC TELANGIECTASIA. Identifiers: Orphanet 2929, MedGen C1832942, MONDO:0008278, OMIM 175050.

Submissions (4):

Labcorp Genetics (formerly Invitae), Labcorp
Classification: Pathogenic for Juvenile polyposis syndrome. Last evaluated: 2025-07-02. Review status: criteria provided, single submitter. Criteria: Invitae Variant Classification Sherloc (09022015). Collection method: clinical testing. Allele origin: germline.
Comment: This sequence change affects a donor splice site in intron 11 of the SMAD4 gene. While this variant is not anticipated to result in nonsense mediated decay, it likely alters RNA splicing and results in a disrupted protein product. This variant is not present in population databases (gnomAD no frequency). Disruption of this splice site has been observed in individual(s) with SMAD4-related conditions (PMID: 33097490; internal data). It has also been observed to segregate with disease in related individuals. ClinVar contains an entry for this variant (Variation ID: 405497). Variants that disrupt the consensus splice site are a relatively common cause of aberrant splicing (PMID: 17576681, 9536098). Algorithms developed to predict the effect of sequence changes on RNA splicing suggest that this variant may disrupt the consensus splice site. This variant disrupts a region of the SMAD4 protein in which other variant(s) (p.Ala532Profs*5) have been determined to be pathogenic (PMID: 15031030). This suggests that this is a clinically significant region of the protein, and that variants that disrupt it are likely to be disease-causing. For these reasons, this variant has been classified as Pathogenic.

Institute for Genomic Medicine (IGM) Clinical Laboratory, Nationwide Children's Hospital
Classification: Pathogenic for Juvenile polyposis/hereditary hemorrhagic telangiectasia syndrome. Last evaluated: 2025-02-18. Review status: criteria provided, single submitter. Criteria: ACMG Guidelines, 2015. Collection method: clinical testing. Allele origin: germline.
Comment: This variant is predicted to result in loss of function through nonsense-mediated decay of the encoded transcript or premature truncation of the encoded protein in a gene in which loss of function is a known mechanism of disease (ACMG/AMP: PVS1; PMIDs:15031030, 32398773). This variant has been reported at an elevated frequency in affected individuals/in multiple affected individuals in the literature (ACMG/AMP: PS4_Supporting; PMID:33097490). This variant is absent from or present at an exceedingly low frequency in gnomAD, a large-scale control population database (ACMG/AMP: PM2).

Dr. Peter K. Rogan Lab, Western University
No classification provided (evidence only). Condition: Squamous cell lung carcinoma. Review status: no classification provided. Collection method: in vitro. Allele origin: not applicable. Functional consequence: retained intron. Not counted in ClinVar's aggregate classification.

MutSpliceDB: a database of splice sites variants effects on splicing, NIH
No classification provided (evidence only). Review status: no classification provided. Collection method: in vivo. Allele origin: not applicable. Functional consequence: retained intron. Not counted in ClinVar's aggregate classification.

Literature cited by the submitters: PubMed 33097490 (cited by Labcorp Genetics (formerly Invitae), Labcorp and Institute for Genomic Medicine (IGM) Clinical Laboratory, Nationwide Children's Hospital); PubMed 17576681 (cited by Labcorp Genetics (formerly Invitae), Labcorp); PubMed 9536098 (cited by Labcorp Genetics (formerly Invitae), Labcorp); PubMed 15031030 (cited by Labcorp Genetics (formerly Invitae), Labcorp and Institute for Genomic Medicine (IGM) Clinical Laboratory, Nationwide Children's Hospital); PubMed 32398773 (cited by Institute for Genomic Medicine (IGM) Clinical Laboratory, Nationwide Children's Hospital).

NM_005359.6(SMAD4):c.1447+2T>C

Gene: SMAD4 (SMAD family member 4; plus strand). Cytogenetic location: 18q21.2.
Variant type: single nucleotide variant.
Coding change: c.1447+2T>C on transcript NM_005359.6 (MANE Select); the canonical splice donor site of the intron after coding-DNA position 1447, T replaced by C.
Molecular consequence: splice donor variant.
Genome position (GRCh38, 1-based): chr18:51,076,778, T>C. VCF-style: chr18-51076778-T-C. GRCh37 (hg19) VCF-style: chr18-48603148-T-C.
Other names: NM_005359.6:c.1447+2T>C; c.1447+2T>C (NM_001407042.1, NM_001407041.1).
Identifiers: ClinVar variation 405497 (VCV000405497.15), dbSNP rs1060500740, ClinGen allele CA16616086.